The following is an entry in ClinVar:

NM_000091.5(COL4A3):c.2693G>A (p.Gly898Glu)

Genes: MFF-DT (MFF divergent transcript; minus strand), COL4A3 (collagen type IV alpha 3 chain; plus strand). Cytogenetic location: 2q36.3.
Variant type: single nucleotide variant.
Coding change: c.2693G>A on transcript NM_000091.5 (MANE Select); coding-DNA position 2693, G replaced by A.
Protein change: p.Gly898Glu; replaces glycine 898 with glutamic acid.
Molecular consequence: missense variant.
Genome position (GRCh38, 1-based): chr2:227,283,803, G>A. VCF-style: chr2-227283803-G-A. GRCh37 (hg19) VCF-style: chr2-228148519-G-A.
Other names: short protein forms G898E.
Identifiers: ClinVar variation 3236071 (VCV003236071.1), dbSNP rs2469779686, ClinGen allele CA350851194.

ClinVar aggregate classification (germline): Likely pathogenic (1 of 4 stars; one submission).

Conditions:
Autosomal dominant Alport syndrome (ATS3A). Also called: Alport syndrome dominant type; Renal failure and sensorineural hearing loss; ALPORT SYNDROME 3A, AUTOSOMAL DOMINANT. Identifiers: Orphanet 63, Orphanet 88918, MedGen C5882663, MONDO:0007086, OMIM 104200.

Submission:

MVZ Medizinische Genetik Mainz
Classification: Likely pathogenic for Autosomal dominant Alport syndrome. Last evaluated: 2023-11-02. Review status: criteria provided, single submitter. Criteria: UK Practice Guidelines For Variant Classification V4 01 2020. Collection method: clinical testing. Allele origin: germline. Inheritance: Autosomal dominant inheritance. Affected: yes. Observed: 1 variant allele.
Comment: ACMG Criteria: PM1_STR,PM2_SUP,PP3